The following is an entry in ClinVar:

NM_000455.5(STK11):c.450G>T (p.Val150=)

Gene: STK11 (serine/threonine kinase 11; plus strand). Cytogenetic location: 19p13.3.
Variant type: single nucleotide variant.
Coding change: c.450G>T on transcript NM_000455.5 (MANE Select); coding-DNA position 450, G replaced by T.
Protein change: p.Val150=; no amino-acid change (valine 150 retained).
Molecular consequence: synonymous variant. On other transcripts: non-coding transcript variant (1).
Genome position (GRCh38, 1-based): chr19:1,219,399, G>T. VCF-style: chr19-1219399-G-T. GRCh37 (hg19) VCF-style: chr19-1219398-G-T.
Other names: c.450G>T, p.Val150= (NM_001407255.1).
Identifiers: ClinVar variation 1741111 (VCV001741111.3), dbSNP rs1555737821, ClinGen allele CA504706620.

ClinVar aggregate classification (germline): Benign/Likely benign. Review status: criteria provided, multiple submitters, no conflicts (2 of 4 stars). 2 submissions from 2 submitters: Benign (1); Likely benign (1). Last evaluated 2025-03-26.

Conditions:
Peutz-Jeghers syndrome (PJS). Also called: POLYPOSIS, HAMARTOMATOUS INTESTINAL; POLYPS-AND-SPOTS SYNDROME; Peutz-Jeghers polyposis; Periorificial lentiginosis syndrome. Identifiers: Orphanet 2869, MedGen C0031269, MeSH D010580, MONDO:0008280, OMIM 175200.
Hereditary cancer-predisposing syndrome. Also called: Neoplastic Syndromes, Hereditary; Tumor predisposition; Hereditary Cancer Syndrome; Hereditary neoplastic syndrome. Identifiers: Orphanet 140162, MedGen C0027672, MeSH D009386, MONDO:0015356.

Submissions (2):

Myriad Genetics, Inc.
Classification: Benign for Peutz-Jeghers syndrome. Last evaluated: 2025-03-26. Review status: criteria provided, single submitter. Criteria: Myriad Autosomal Dominant, Autosomal Recessive and X-Linked Classification Criteria (2023). Collection method: clinical testing. Allele origin: unknown.
Comment: This variant is considered benign. This variant is a silent/synonymous amino acid change and it is not expected to impact splicing.

Ambry Genetics
Classification: Likely benign for Hereditary cancer-predisposing syndrome. Last evaluated: 2020-03-16. Review status: criteria provided, single submitter. Criteria: Ambry Variant Classification Scheme 2023. Collection method: clinical testing. Allele origin: germline.